The following is an entry in ClinVar:

ClinVar aggregate classification (germline): Uncertain significance. Review status: reviewed by expert panel (3 of 4 stars). 3 submissions from 3 submitters: Uncertain significance (1). 2 of the submissions do not count toward it. Last evaluated 2020-01-26.

Conditions:
Phenylketonuria (PKU). Also called: Phenylketonuria (PKU); FOLLING DISEASE; OLIGOPHRENIA PHENYLPYRUVICA; Phenylketonurias. Identifiers: Orphanet 716, MedGen C0031485, MONDO:0009861, OMIM 261600. Disease mechanism: loss of function.

Allele frequency attached by ClinVar (database versions not stated): gnomAD exomes below 0.00001; ExAC 0.00001.
gnomAD v4.1: 22 of 1,614,032 alleles (0.0014%); highest among the groups gnomAD compares: Non-Finnish European, 0.0019%; no homozygotes.

Submissions (3):

ClinGen PAH Variant Curation Expert Panel
Classification: Uncertain significance for Phenylketonuria. Last evaluated: 2020-01-26. Review status: reviewed by expert panel. Criteria: ClinGen PAH ACMG Specifications v1. Collection method: curation. Allele origin: germline. Inheritance: Autosomal recessive inheritance.
Comment: The c.757G>A (p.Asp253Asn) variant in PAH has not been reported in the literature to our knowledge. This variant has an extremely low frequency in ExAC and gnomAD (MAF=0.00001). Multiple lines of computational evidence support a deleterious effect. In summary, this variant meets criteria to be classified as uncertain significance for PAH. PAH-specific ACMG/AMP criteria applied: PM2, PP3.

GeneDx
Classification: Likely pathogenic. Last evaluated: 2016-08-15. Review status: criteria provided, single submitter. Criteria: GeneDx Variant Classification (06012015). Collection method: clinical testing. Allele origin: germline. Affected: yes. Not counted in ClinVar's aggregate classification.
Comment: The D253N missense variant has not been published as a pathogenic variant, nor has it been reported as a benign variant to our knowledge. The D253N variant was not observed in approximately 6500 individuals of European and African American ancestry in the NHLBI Exome Sequencing Project, indicating it is not a common benign variant in these populations. The D253N variant is a semi-conservative amino acid substitution, which may impact secondary protein structure as these residues differ in some properties. This substitution occurs at a position that is conserved across species and in silico analysis predicts this variant is probably damaging to the protein structure/function. In summary, we interpret D253N as likely pathogenic.

Counsyl
Classification: Uncertain significance for Phenylketonuria. Last evaluated: 2017-08-08. Review status: no assertion criteria provided. Collection method: clinical testing. Allele origin: unknown. Not counted in ClinVar's aggregate classification.

NM_000277.3(PAH):c.757G>A (p.Asp253Asn)

Gene: PAH (phenylalanine hydroxylase; minus strand). Cytogenetic location: 12q23.2.
Variant type: single nucleotide variant.
Coding change: c.757G>A on transcript NM_000277.3 (MANE Select); coding-DNA position 757, G replaced by A.
Protein change: p.Asp253Asn; replaces aspartic acid 253 with asparagine.
Molecular consequence: missense variant.
Genome position (GRCh38, 1-based): chr12:102,852,900, C>T on the plus strand (G>A on the coding strand, the complement: PAH is on the minus strand). VCF-style: chr12-102852900-C-T. GRCh37 (hg19) VCF-style: chr12-103246678-C-T.
Other names: c.757G>A, p.Asp253Asn (NM_001354304.2); short protein forms D253N.
Identifiers: ClinVar variation 422049 (VCV000422049.5), dbSNP rs765533320, ClinGen allele CA6748845.